The following is an entry in ClinVar:

ClinVar aggregate classification (germline): Pathogenic (1 of 4 stars; one submission).

Conditions:
Ehlers-Danlos syndrome, dermatosparaxis type. Also called: EDS VIIC; Dermatosparaxis; Ehlers-Danlos syndrome, type VII, autosomal recessive. Identifiers: Orphanet 1901, MedGen C2700425, MONDO:0009161, OMIM 225410.

Submission:

Myriad Genetics, Inc.
Classification: Pathogenic for Ehlers-Danlos syndrome, dermatosparaxis type. Last evaluated: 2024-05-14. Review status: criteria provided, single submitter. Criteria: Myriad Autosomal Dominant, Autosomal Recessive and X-Linked Classification Criteria (2023). Collection method: clinical testing. Allele origin: unknown.
Comment: NM_014244.4(ADAMTS2):c.32_33del2ins18(L11Qfs*60) is expected to be pathogenic in the context of Ehlers-Danlos syndrome, ADAMTS2-related. This variant is predicted to lead to an abnormal or absent protein product due to the creation of a premature termination codon in ADAMTS2, a gene where loss-of-function variants are known to be pathogenic. Please note: this variant was assessed in the context of healthy population screening.

NM_014244.5(ADAMTS2):c.32_33delinsAGGTGTATAAGAGACAGT (p.Leu11fs)

Gene: ADAMTS2 (ADAM metallopeptidase with thrombospondin type 1 motif 2; minus strand). Cytogenetic location: 5q35.3.
Variant type: Indel.
Coding change: c.32_33delinsAGGTGTATAAGAGACAGT on transcript NM_014244.5 (MANE Select); coding-DNA positions 32 to 33, TG replaced by AGGTGTATAAGAGACAGT.
Protein change: p.Leu11fs; shifts the reading frame from leucine 11.
Molecular consequence: frameshift variant.
Genome position (GRCh38, 1-based): chr5:179,345,296-179,345,297, CA replaced by ACTGTCTCTTATACACCT on the plus strand (TG replaced by AGGTGTATAAGAGACAGT on the coding strand, the reverse complement: ADAMTS2 is on the minus strand). VCF-style: chr5-179345296-CA-ACTGTCTCTTATACACCT. GRCh37 (hg19) VCF-style: chr5-178772297-CA-ACTGTCTCTTATACACCT.
Other names: c.32_33delinsAGGTGTATAAGAGACAGT, p.Leu11fs (NM_021599.4); short protein forms L11fs.
Identifiers: ClinVar variation 5016240 (VCV005016240.1).